The following is an entry in ClinVar:

NM_000426.4(LAMA2):c.5072-539_5098del

Gene: LAMA2 (laminin subunit alpha 2; plus strand). Cytogenetic location: 6q22.33.
Variant type: Deletion.
Coding change: c.5072-539_5098del on transcript NM_000426.4 (MANE Select); 539 bases into the intron before coding-DNA position 5072 through coding-DNA position 5098, 566 bases deleted.
Molecular consequence: splice acceptor variant.
Genome position (GRCh38, 1-based): chr6:129,390,952-129,391,517, 566 bases deleted. GRCh37 (hg19): chr6:129,712,097-129,712,662.
Other names: c.5072-539_5098del (NM_001079823.2).
Identifiers: ClinVar variation 1067107 (VCV001067107.7), dbSNP rs2114670709, ClinGen allele CA2499218080.

ClinVar aggregate classification (germline): Likely pathogenic (1 of 4 stars; one submission).

Conditions:
LAMA2-related muscular dystrophy (LAMA2-RD). Also called: Laminin alpha 2-related dystrophy. Identifiers: MedGen C5679788, MONDO:0100228.

Submission:

Labcorp Genetics (formerly Invitae), Labcorp
Classification: Likely pathogenic for LAMA2-related muscular dystrophy. Last evaluated: 2023-02-06. Review status: criteria provided, single submitter. Criteria: Invitae Variant Classification Sherloc (09022015). Collection method: clinical testing. Allele origin: germline.
Comment: This variant has not been reported in the literature in individuals affected with LAMA2-related conditions. In summary, the currently available evidence indicates that the variant is pathogenic, but additional data are needed to prove that conclusively. Therefore, this variant has been classified as Likely Pathogenic. This variant results in the deletion of part of exon 36 (c.5072-539_5098del) of the LAMA2 gene. It is expected to disrupt RNA splicing. Variants that disrupt the donor or acceptor splice site typically lead to a loss of protein function (PMID: 16199547), and loss-of-function variants in LAMA2 are known to be pathogenic (PMID: 18700894, 32904964).

Literature cited by the submitters: PubMed 16199547; PubMed 18700894; PubMed 32904964.